The following is an entry in ClinVar:

ClinVar aggregate classification (germline): Uncertain significance (1 of 4 stars; one submission).

Allele frequency attached by ClinVar (database versions not stated): TOPMed below 0.00001; ExAC 0.00001; gnomAD 0.00001.
gnomAD v4.1: 3 of 1,611,064 alleles (0.00019%); highest among the groups gnomAD compares: Middle Eastern, 0.017%; no homozygotes.

Submission:

Labcorp Genetics (formerly Invitae), Labcorp
Classification: Uncertain significance. Last evaluated: 2025-10-01. Review status: criteria provided, single submitter. Criteria: Invitae Variant Classification Sherloc (09022015). Collection method: clinical testing. Allele origin: germline.
Comment: This sequence change replaces asparagine, which is neutral and polar, with threonine, which is neutral and polar, at codon 823 of the TRPC3 protein (p.Asn823Thr). This variant is present in population databases (rs777360921, gnomAD 0.0009%). This variant has not been reported in the literature in individuals affected with TRPC3-related conditions. ClinVar contains an entry for this variant (Variation ID: 3005306). An algorithm developed to predict the effect of missense changes on protein structure and function (PolyPhen-2) suggests that this variant is likely to be tolerated. In summary, the available evidence is currently insufficient to determine the role of this variant in disease. Therefore, it has been classified as a Variant of Uncertain Significance.

NM_001130698.2(TRPC3):c.2468A>C (p.Asn823Thr)

Gene: TRPC3 (transient receptor potential cation channel subfamily C member 3; minus strand). Cytogenetic location: 4q27.
Variant type: single nucleotide variant.
Coding change: c.2468A>C on transcript NM_001130698.2 (MANE Select); coding-DNA position 2468, A replaced by C.
Protein change: p.Asn823Thr; replaces asparagine 823 with threonine.
Molecular consequence: missense variant. On other transcripts: intron variant (1).
Genome position (GRCh38, 1-based): chr4:121,899,691, T>G on the plus strand (A>C on the coding strand, the complement: TRPC3 is on the minus strand). VCF-style: chr4-121899691-T-G. GRCh37 (hg19) VCF-style: chr4-122820846-T-G.
Other names: c.2249A>C, p.Asn750Thr (NM_003305.2); c.2463+3161A>C (NM_001366479.2); short protein forms N823T, N750T.
Identifiers: ClinVar variation 3005306 (VCV003005306.3), dbSNP rs777360921, ClinGen allele CA3064730.